The following is an entry in ClinVar:

ClinVar aggregate classification (germline): Uncertain significance (1 of 4 stars; one submission).

Submissions (2):

Ambry Genetics
Classification: Uncertain significance. Last evaluated: 2026-04-01. Review status: criteria provided, single submitter. Criteria: Ambry Variant Classification Scheme 2023. Collection method: clinical testing. Allele origin: germline.
Comment: The c.860G>A (p.R287Q) alteration is located in exon 11 (coding exon 11) of the ITGB1BP2 gene. This alteration results from a G to A substitution at nucleotide position 860, causing the arginine (R) at amino acid position 287 to be replaced by a glutamine (Q). Based on data from gnomAD, the A allele has an overall frequency of <0.001% (1/183015) total alleles studied. The highest observed frequency was 0.007% (1/13856) of East Asian alleles. Based on insufficient or conflicting evidence, the clinical significance of this alteration remains unclear.

Dr. Peter K. Rogan Lab, Western University
No classification provided (evidence only). Condition: Nonpapillary renal cell carcinoma. Review status: no classification provided. Collection method: in vitro. Allele origin: not applicable. Functional consequence: retained intron. Not counted in ClinVar's aggregate classification.

NM_012278.4(ITGB1BP2):c.860G>A (p.Arg287Gln)

Gene: ITGB1BP2 (integrin subunit beta 1 binding protein 2; plus strand). Cytogenetic location: Xq13.1.
Variant type: single nucleotide variant.
Coding change: c.860G>A on transcript NM_012278.4 (MANE Select); coding-DNA position 860, G replaced by A.
Protein change: p.Arg287Gln; replaces arginine 287 with glutamine.
Molecular consequence: missense variant.
Genome position (GRCh38, 1-based): chrX:71,305,008, G>A. VCF-style: chrX-71305008-G-A. GRCh37 (hg19) VCF-style: chrX-70524858-G-A.
Other names: NC_000023.10:g.70524858G>A; c.860G>A (NM_012278.1); c.491G>A, p.Arg164Gln (NM_001303277.3); short protein forms R164Q, R287Q.
Identifiers: ClinVar variation 4496919 (VCV004496919.2).